The following is an entry in ClinVar:

ClinVar aggregate classification (germline): Uncertain significance. Review status: criteria provided, multiple submitters, no conflicts (2 of 4 stars). 2 submissions from 2 submitters: Uncertain significance (2). Last evaluated 2026-04-21.

Conditions:
Fabry disease. Also called: Fabry's disease; ALPHA-GALACTOSIDASE A DEFICIENCY; ANDERSON-FABRY DISEASE; CERAMIDE TRIHEXOSIDASE DEFICIENCY; GLA DEFICIENCY; HEREDITARY DYSTOPIC LIPIDOSIS. Identifiers: Orphanet 324, MedGen C0002986, MONDO:0010526, OMIM 301500, HP:0001071. Disease mechanism: Fabry disease is due to inactivating mutations in the X-linked GLA gene resulting in deficiency of the enzyme Alpha Galactosidase-A., loss of function.
Cardiovascular phenotype. Identifiers: MedGen CN230736.

Allele frequency attached by ClinVar (database versions not stated): TOPMed below 0.00001.

Submissions (2):

Ambry Genetics
Classification: Uncertain significance for Cardiovascular phenotype. Last evaluated: 2026-04-21. Review status: criteria provided, single submitter. Criteria: Ambry Variant Classification Scheme 2023. Collection method: clinical testing. Allele origin: germline.
Comment: The p.Y152F variant (also known as c.455A>T), located in coding exon 3 of the GLA gene, results from an A to T substitution at nucleotide position 455. The tyrosine at codon 152 is replaced by phenylalanine, an amino acid with highly similar properties. This amino acid position is highly conserved in available vertebrate species. In addition, this alteration is predicted to be deleterious by in silico analysis. Based on the available evidence, the clinical significance of this variant remains unclear.

All of Us Research Program, National Institutes of Health
Classification: Uncertain significance for Fabry disease. Last evaluated: 2023-06-28. Review status: criteria provided, single submitter. Criteria: ACMG Guidelines, 2015. Collection method: clinical testing. Allele origin: germline. Inheritance: X-linked inheritance. Observed: 1 variant allele, 1 heterozygote.
Comment: This study involves interpretation of variants in research participants for the purpose of population health screening. Participant phenotype was not available at the time of variant classification. Additional details can be found in publication PMID: 35346344, PMCID: PMC8962531

NM_000169.3(GLA):c.455A>T (p.Tyr152Phe)

Genes: GLA (galactosidase alpha; minus strand), RPL36A-HNRNPH2 (RPL36A-HNRNPH2 readthrough; plus strand). Cytogenetic location: Xq22.1.
Variant type: single nucleotide variant.
Coding change: c.455A>T on transcript NM_000169.3 (MANE Select); coding-DNA position 455, A replaced by T.
Protein change: p.Tyr152Phe; replaces tyrosine 152 with phenylalanine.
Molecular consequence: missense variant. On other transcripts: non-coding transcript variant (3), intron variant (2).
Genome position (GRCh38, 1-based): chrX:101,401,724, T>A on the plus strand (A>T on the coding strand, the complement: GLA is on the minus strand). VCF-style: chrX-101401724-T-A. GRCh37 (hg19) VCF-style: chrX-100656712-T-A.
Other names: c.578A>T, p.Tyr193Phe (NM_001406747.1, NM_001406749.1); c.455A>T, p.Tyr152Phe (NM_001406748.1); c.300+6267T>A (NM_001199973.2); c.177+9902T>A (NM_001199974.2); short protein forms Y152F, Y193F.
Identifiers: ClinVar variation 3071747 (VCV003071747.2), dbSNP rs1928323459, ClinGen allele CA413929655.